The following is an entry in ClinVar:

ClinVar aggregate classification (germline): Pathogenic (1 of 4 stars; one submission).

Conditions:
Severe myoclonic epilepsy in infancy (DRVT). Also called: SEVERE MYOCLONIC EPILEPSY OF INFANCY; DEVELOPMENTAL AND EPILEPTIC ENCEPHALOPATHY 6A; Severe Myoclonic Epilepsy in Infancy (SMEI); Dravet syndrome; Epileptic encephalopathy, early infantile, 6 (Dravet syndrome). Identifiers: Orphanet 33069, MedGen C0751122, MONDO:0100135, OMIM 607208.

Submission:

Labcorp Genetics (formerly Invitae), Labcorp
Classification: Pathogenic for Severe myoclonic epilepsy in infancy. Last evaluated: 2023-03-21. Review status: criteria provided, single submitter. Criteria: Invitae Variant Classification Sherloc (09022015). Collection method: clinical testing. Allele origin: germline.
Comment: This variant is not present in population databases (gnomAD no frequency). This sequence change creates a premature translational stop signal (p.Arg492*) in the SNX27 gene. It is expected to result in an absent or disrupted protein product. Loss-of-function variants in SNX27 are known to be pathogenic (PMID: 25894286). This variant has not been reported in the literature in individuals affected with SNX27-related conditions. For these reasons, this variant has been classified as Pathogenic.

Literature cited by the submitters: PubMed 25894286.

NM_001330723.2(SNX27):c.1474C>T (p.Arg492Ter)

Gene: SNX27 (sorting nexin 27; plus strand). Cytogenetic location: 1q21.3.
Variant type: single nucleotide variant.
Coding change: c.1474C>T on transcript NM_001330723.2 (MANE Select); coding-DNA position 1474, C replaced by T.
Protein change: p.Arg492Ter; replaces arginine 492 with a stop codon.
Molecular consequence: nonsense.
Genome position (GRCh38, 1-based): chr1:151,692,995, C>T. VCF-style: chr1-151692995-C-T. GRCh37 (hg19) VCF-style: chr1-151665471-C-T.
Other names: c.1474C>T, p.Arg492Ter (NM_030918.6); short protein forms R492*.
Identifiers: ClinVar variation 2809384 (VCV002809384.3), dbSNP rs2525156811, ClinGen allele CA341973191.